The following is an entry in ClinVar:

NM_021922.3(FANCE):c.855+4C>G

Gene: FANCE (FA complementation group E; plus strand). Cytogenetic location: 6p21.31.
Variant type: single nucleotide variant.
Coding change: c.855+4C>G on transcript NM_021922.3 (MANE Select); 4 bases into the intron after coding-DNA position 855, C replaced by G.
Molecular consequence: intron variant.
Genome position (GRCh38, 1-based): chr6:35,456,357, C>G. VCF-style: chr6-35456357-C-G. GRCh37 (hg19) VCF-style: chr6-35424134-C-G.
Other names: c.855+4C>G (NM_001410876.1).
Identifiers: ClinVar variation 2841179 (VCV002841179.3), dbSNP rs2150891928, ClinGen allele CA2739272986.

ClinVar aggregate classification (germline): Uncertain significance (1 of 4 stars; one submission).

Conditions:
Fanconi anemia complementation group E (FANCE). Also called: FANCE-Related Fanconi Anemia. Identifiers: Orphanet 84, MedGen C3160739, MONDO:0010953, OMIM 600901.

Submission:

Labcorp Genetics (formerly Invitae), Labcorp
Classification: Uncertain significance for Fanconi anemia complementation group E. Last evaluated: 2023-02-26. Review status: criteria provided, single submitter. Criteria: Invitae Variant Classification Sherloc (09022015). Collection method: clinical testing. Allele origin: germline.
Comment: In summary, the available evidence is currently insufficient to determine the role of this variant in disease. Therefore, it has been classified as a Variant of Uncertain Significance. Variants that disrupt the consensus splice site are a relatively common cause of aberrant splicing (PMID: 17576681, 9536098). Algorithms developed to predict the effect of sequence changes on RNA splicing suggest that this variant may create or strengthen a splice site. This sequence change falls in intron 2 of the FANCE gene. It does not directly change the encoded amino acid sequence of the FANCE protein. It affects a nucleotide within the consensus splice site. This variant is not present in population databases (gnomAD no frequency). This variant has not been reported in the literature in individuals affected with FANCE-related conditions.

Literature cited by the submitters: PubMed 17576681; PubMed 9536098.